The following is an entry in ClinVar:

NM_152309.3(PIK3AP1):c.313G>A (p.Val105Met)

Gene: PIK3AP1 (phosphoinositide-3-kinase adaptor protein 1; minus strand). Cytogenetic location: 10q24.1.
Variant type: single nucleotide variant.
Coding change: c.313G>A on transcript NM_152309.3 (MANE Select); coding-DNA position 313, G replaced by A.
Protein change: p.Val105Met; replaces valine 105 with methionine.
Molecular consequence: missense variant.
Genome position (GRCh38, 1-based): chr10:96,709,684, C>T on the plus strand (G>A on the coding strand, the complement: PIK3AP1 is on the minus strand). VCF-style: chr10-96709684-C-T. GRCh37 (hg19) VCF-style: chr10-98469441-C-T.
Other names: short protein forms V105M.
Identifiers: ClinVar variation 2847142 (VCV002847142.3), dbSNP rs766269268, ClinGen allele CA377759413.

ClinVar aggregate classification (germline): Uncertain significance (1 of 4 stars; one submission).

Conditions:
Infantile spasms. Also called: Infantile spasm. Identifiers: MedGen C3887898, HP:0012469.

gnomAD v4.1: 1 of 1,614,262 alleles (0.000062%); highest among the groups gnomAD compares: Non-Finnish European, 0.000085%; no homozygotes.

Submission:

Labcorp Genetics (formerly Invitae), Labcorp
Classification: Uncertain significance for Infantile spasms. Last evaluated: 2023-03-21. Review status: criteria provided, single submitter. Criteria: Invitae Variant Classification Sherloc (09022015). Collection method: clinical testing. Allele origin: germline.
Comment: In summary, the available evidence is currently insufficient to determine the role of this variant in disease. Therefore, it has been classified as a Variant of Uncertain Significance. An algorithm developed to predict the effect of missense changes on protein structure and function (PolyPhen-2) suggests that this variant is likely to be disruptive. This variant has not been reported in the literature in individuals affected with PIK3AP1-related conditions. This variant is not present in population databases (gnomAD no frequency). This sequence change replaces valine, which is neutral and non-polar, with methionine, which is neutral and non-polar, at codon 105 of the PIK3AP1 protein (p.Val105Met).